The following is an entry in ClinVar:

ClinVar aggregate classification (germline): Uncertain significance (1 of 4 stars; one submission).

Submission:

Labcorp Genetics (formerly Invitae), Labcorp
Classification: Uncertain significance. Last evaluated: 2022-10-30. Review status: criteria provided, single submitter. Criteria: Invitae Variant Classification Sherloc (09022015). Collection method: clinical testing. Allele origin: germline.
Comment: This variant has not been reported in the literature in individuals affected with CSF2RB-related conditions. This variant is not present in population databases (gnomAD no frequency). This sequence change replaces glutamine, which is neutral and polar, with histidine, which is basic and polar, at codon 570 of the CSF2RB protein (p.Gln570His). Advanced modeling of protein sequence and biophysical properties (such as structural, functional, and spatial information, amino acid conservation, physicochemical variation, residue mobility, and thermodynamic stability) performed at Invitae indicates that this missense variant is not expected to disrupt CSF2RB protein function. In summary, the available evidence is currently insufficient to determine the role of this variant in disease. Therefore, it has been classified as a Variant of Uncertain Significance.

NM_000395.3(CSF2RB):c.1710G>T (p.Gln570His)

Gene: CSF2RB (colony stimulating factor 2 receptor subunit beta; plus strand). Cytogenetic location: 22q12.3.
Variant type: single nucleotide variant.
Coding change: c.1710G>T on transcript NM_000395.3 (MANE Select); coding-DNA position 1710, G replaced by T.
Protein change: p.Gln570His; replaces glutamine 570 with histidine.
Molecular consequence: missense variant.
Genome position (GRCh38, 1-based): chr22:36,937,518, G>T. VCF-style: chr22-36937518-G-T. GRCh37 (hg19) VCF-style: chr22-37333560-G-T.
Other names: c.1728G>T, p.Gln576His (NM_001410827.1); short protein forms Q570H, Q576H.
Identifiers: ClinVar variation 3009502 (VCV003009502.3), dbSNP rs2518008284, ClinGen allele CA411410024.